The following is an entry in ClinVar:

ClinVar aggregate classification (germline): Benign. Review status: criteria provided, multiple submitters, no conflicts (2 of 4 stars). 3 submissions from 3 submitters: Benign (3). Last evaluated 2018-07-27.

Conditions:
Autosomal recessive severe congenital neutropenia due to G6PC3 deficiency. Also called: NEUTROPENIA, SEVERE CONGENITAL, 4, AUTOSOMAL RECESSIVE; G6PC3 Deficiency. Identifiers: Orphanet 331176, MedGen C2751630, MONDO:0012930, OMIM 612541.

Allele frequency attached by ClinVar (database versions not stated): 1000 Genomes Project 30x 0.31761; ExAC 0.56696; 1000 Genomes Project 0.32308; TOPMed 0.36526; gnomAD 0.36841.
gnomAD v4.1: 510,944 of 1,062,146 alleles (48%); highest among the groups gnomAD compares: Middle Eastern, 56%; 131,665 homozygotes.

Submissions (3):

GeneDx
Classification: Benign. Last evaluated: 2018-07-27. Review status: criteria provided, single submitter. Criteria: GeneDx Variant Classification Process June 2021. Collection method: clinical testing. Allele origin: germline. Affected: yes.

Illumina Laboratory Services, Illumina
Classification: Benign for Autosomal recessive severe congenital neutropenia due to G6PC3 deficiency. Last evaluated: 2018-01-12. Review status: criteria provided, single submitter. Criteria: ICSL Variant Classification Criteria 13 December 2019. Collection method: clinical testing. Allele origin: germline.
Comment: This variant was observed in the ICSL laboratory as part of a predisposition screen in an ostensibly healthy population. It had not been previously curated by ICSL or reported in the Human Gene Mutation Database (HGMD: prior to June 1st, 2018), and was therefore a candidate for classification through an automated scoring system. Utilizing variant allele frequency, disease prevalence and penetrance estimates, and inheritance mode, an automated score was calculated to assess if this variant is too frequent to cause the disease. Based on the score and internal cut-off values, a variant classified as benign is not then subjected to further curation. The score for this variant resulted in a classification of benign for this disease.

Breakthrough Genomics
Classification: Benign. Review status: criteria provided, single submitter. Criteria: ACMG Guidelines, 2015. Collection method: not provided. Allele origin: germline. Inheritance: Autosomal recessive inheritance. Affected: yes.

NM_138387.4(G6PC3):c.-129C>T

Gene: G6PC3 (glucose-6-phosphatase catalytic subunit 3; plus strand). Cytogenetic location: 17q21.31.
Variant type: single nucleotide variant.
Coding change: c.-129C>T on transcript NM_138387.4 (MANE Select); 129 bases upstream of the start codon, C replaced by T.
Molecular consequence: 5 prime UTR variant. On other transcripts: intron variant (1).
Genome position (GRCh38, 1-based): chr17:44,070,837, C>T. VCF-style: chr17-44070837-C-T. GRCh37 (hg19) VCF-style: chr17-42148205-C-T.
Other names: c.-533C>T (NM_001384165.1); c.-668C>T (NM_001384166.1); c.-658C>T (NM_001384167.1); c.-312+123C>T (NM_001384168.1).
Identifiers: ClinVar variation 323459 (VCV000323459.8), dbSNP rs228758, ClinGen allele CA8595857.